The following is an entry in ClinVar:

NM_001384732.1(CPLANE1):c.8711A>G (p.Asp2904Gly)

Gene: CPLANE1 (ciliogenesis and planar polarity effector complex subunit 1; minus strand). Cytogenetic location: 5p13.2.
Variant type: single nucleotide variant.
Coding change: c.8711A>G on transcript NM_001384732.1 (MANE Select); coding-DNA position 8711, A replaced by G.
Protein change: p.Asp2904Gly; replaces aspartic acid 2904 with glycine.
Molecular consequence: missense variant.
Genome position (GRCh38, 1-based): chr5:37,138,801, T>C on the plus strand (A>G on the coding strand, the complement: CPLANE1 is on the minus strand). VCF-style: chr5-37138801-T-C. GRCh37 (hg19) VCF-style: chr5-37138903-T-C.
Other names: c.8549A>G, p.Asp2850Gly (NM_023073.4); short protein forms D2850G, D2904G.
Identifiers: ClinVar variation 353420 (VCV000353420.21), dbSNP rs144427399, ClinGen allele CA3237691.
Genomic context (GRCh38, chr5:37,138,801, plus strand): 5'-TCTGTTAAGCCAAGTTCTTCACTGGAAACTCCGTCTTTAATTATAAGGTCATCAATAATG[T>C]CTGCAATATCAGTCAATCCAGTCATCTGGAGCGGATGTACTGAAACACTTCATTTGCAAA-3'
Protein context (NP_001371661.1, residues 2894-2914): LQMTGLTDIA[Asp2904Gly]IIDDLIIKDG

ClinVar aggregate classification (germline): Conflicting classifications of pathogenicity. Review status: criteria provided, conflicting classifications (1 of 4 stars). 5 submissions from 5 submitters: Uncertain significance (2); Likely benign (2). 1 of the submissions does not count toward it. Last evaluated 2026-09-04.

Conditions:
CPLANE1-related disorder. Also called: CPLANE1-related condition.
Joubert syndrome 17 (JBTS17). Identifiers: Orphanet 475, MedGen C3553264, MONDO:0013824, OMIM 614615.

Allele frequency attached by ClinVar (database versions not stated): gnomAD exomes 0.00007 and 0.00025; ExAC 0.00030; 1000 Genomes Project 0.00100; gnomAD 0.00100 and 0.00106; TOPMed 0.00104; 1000 Genomes Project 30x 0.00109; ESP Exome Variant Server 0.00115.
gnomAD v4.1: 263 of 1,612,892 alleles (0.016%); highest among the groups gnomAD compares: African/African-American, 0.31%; 2 homozygotes.

Submissions (5):

GeneDx
Classification: Uncertain significance. Last evaluated: 2026-09-04. Review status: criteria provided, single submitter. Criteria: GeneDx Variant Classification Process June 2021. Collection method: clinical testing. Allele origin: germline.
Comment: In silico analysis supports that this missense variant has a deleterious effect on protein structure/function; In silico analysis suggests this variant may impact gene splicing. In the absence of RNA/functional studies, the actual effect of this sequence change is unknown.; Has not been previously published as pathogenic or benign to our knowledge

Labcorp Genetics (formerly Invitae), Labcorp
Classification: Likely benign. Last evaluated: 2026-01-17. Review status: criteria provided, single submitter. Criteria: Invitae Variant Classification Sherloc (09022015). Collection method: clinical testing. Allele origin: germline.

Blueprint Genetics
Classification: Likely benign. Last evaluated: 2024-07-05. Review status: criteria provided, single submitter. Criteria: ACMG Guidelines, 2015. Collection method: clinical testing. Allele origin: germline.

Illumina Laboratory Services, Illumina
Classification: Uncertain significance for Joubert syndrome 17. Last evaluated: 2018-01-12. Review status: criteria provided, single submitter. Criteria: ICSL Variant Classification Criteria 13 December 2019. Collection method: clinical testing. Allele origin: germline.

PreventionGenetics, part of Exact Sciences
Classification: Likely benign for CPLANE1-related condition. Last evaluated: 2022-09-07. Review status: no assertion criteria provided. Collection method: clinical testing. Allele origin: germline. Not counted in ClinVar's aggregate classification.
Comment: This variant is classified as likely benign based on ACMG/AMP sequence variant interpretation guidelines (Richards et al. 2015 PMID: 25741868, with internal and published modifications).